The following is an entry in ClinVar:

NM_001377.3(DYNC2H1):c.5718C>A (p.Thr1906=)

Gene: DYNC2H1 (dynein cytoplasmic 2 heavy chain 1; plus strand). Cytogenetic location: 11q22.3.
Variant type: single nucleotide variant.
Coding change: c.5718C>A on transcript NM_001377.3 (MANE Select); coding-DNA position 5718, C replaced by A.
Protein change: p.Thr1906=; no amino-acid change (threonine 1906 retained).
Molecular consequence: synonymous variant.
Genome position (GRCh38, 1-based): chr11:103,176,278, C>A. VCF-style: chr11-103176278-C-A. GRCh37 (hg19) VCF-style: chr11-103047007-C-A.
Other names: p.Thr1906=; c.5718C>A, p.Thr1906= (NM_001080463.2).
Identifiers: ClinVar variation 167011 (VCV000167011.35), dbSNP rs585692, ClinGen allele CA179981.

ClinVar aggregate classification (germline): Benign. Review status: criteria provided, multiple submitters, no conflicts (2 of 4 stars). 13 submissions from 13 submitters: Benign (10). 3 of the submissions do not count toward it. Last evaluated 2026-02-04.

Conditions:
Jeune thoracic dystrophy. Also called: Infantile thoracic dystrophy; Thoracic pelvic phalangeal dystrophy; Jeune's syndrome; Chondroectodermal dysplasia-like syndrome; Jeune syndrome; Short-rib thoracic dysplasia. Identifiers: Orphanet 474, MedGen C0265275, MONDO:0018770.
Asphyxiating thoracic dystrophy 3. Also called: SHORT-RIB THORACIC DYSPLASIA 3/6 WITH POLYDACTYLY, DIGENIC; Saldino-Noonan Syndrome; SHORT-RIB THORACIC DYSPLASIA 3 WITH OR WITHOUT POLYDACTYLY; POLYDACTYLY WITH NEONATAL CHONDRODYSTROPHY, TYPE I; Short rib polydactyly syndrome 2B. Identifiers: Orphanet 474, Orphanet 93269, Orphanet 93270, Orphanet 93271, MedGen C0036069, MONDO:0013127, OMIM 613091.

Allele frequency attached by ClinVar (database versions not stated): ExAC 0.91783; gnomAD exomes 0.92556; 1000 Genomes Project 0.93131; 1000 Genomes Project 30x 0.93410; TOPMed 0.94310; ESP Exome Variant Server 0.94462; gnomAD 0.94841.
gnomAD v4.1: 1,427,049 of 1,541,246 alleles (93%); highest among the groups gnomAD compares: African/African-American, 98%; 661,347 homozygotes.

Submissions (13):

Labcorp Genetics (formerly Invitae), Labcorp
Classification: Benign for Jeune thoracic dystrophy. Last evaluated: 2026-02-04. Review status: criteria provided, single submitter. Criteria: Invitae Variant Classification Sherloc (09022015). Collection method: clinical testing. Allele origin: germline.

Women's Health and Genetics/Laboratory Corporation of America, LabCorp
Classification: Benign. Last evaluated: 2026-01-08. Review status: criteria provided, single submitter. Criteria: LabCorp Variant Classification Summary - May 2015. Collection method: clinical testing. Allele origin: germline.

Blueprint Genetics
Classification: Benign. Last evaluated: 2024-11-27. Review status: criteria provided, single submitter. Criteria: ACMG Guidelines, 2015. Collection method: clinical testing. Allele origin: germline.

Mayo Clinic Laboratories, Mayo Clinic
Classification: Benign. Last evaluated: 2022-03-09. Review status: criteria provided, single submitter. Criteria: ACMG Guidelines, 2015. Collection method: clinical testing. Allele origin: germline. Observed: 76 variant alleles.

Genome-Nilou Lab
Classification: Benign for Asphyxiating thoracic dystrophy 3. Last evaluated: 2021-07-30. Review status: criteria provided, single submitter. Criteria: ACMG Guidelines, 2015. Collection method: clinical testing. Allele origin: germline. Affected: no.

Illumina Laboratory Services, Illumina
Classification: Benign for Asphyxiating thoracic dystrophy 3. Last evaluated: 2018-01-13. Review status: criteria provided, single submitter. Criteria: ICSL Variant Classification Criteria 13 December 2019. Collection method: clinical testing. Allele origin: germline.
Comment: This variant was observed in the ICSL laboratory as part of a predisposition screen in an ostensibly healthy population. It had not been previously curated by ICSL or reported in the Human Gene Mutation Database (HGMD: prior to June 1st, 2018), and was therefore a candidate for classification through an automated scoring system. Utilizing variant allele frequency, disease prevalence and penetrance estimates, and inheritance mode, an automated score was calculated to assess if this variant is too frequent to cause the disease. Based on the score and internal cut-off values, a variant classified as benign is not then subjected to further curation. The score for this variant resulted in a classification of benign for this disease.

Laboratory for Molecular Medicine, Mass General Brigham Personalized Medicine
Classification: Benign. Last evaluated: 2016-03-28. Review status: criteria provided, single submitter. Criteria: LMM Criteria. Collection method: clinical testing. Allele origin: germline.
Comment: Variant identified in a genome or exome case(s) and assessed due to predicted null impact of the variant or pathogenic assertions in the literature or databases. Disclaimer: This variant has not undergone full assessment. The following are preliminary notes: Frequency

GeneDx
Classification: Benign. Last evaluated: 2016-03-03. Review status: criteria provided, single submitter. Criteria: GeneDx Variant Classification (06012015). Collection method: clinical testing. Allele origin: germline. Affected: yes.
Comment: This variant is considered likely benign or benign based on one or more of the following criteria: it is a conservative change, it occurs at a poorly conserved position in the protein, it is predicted to be benign by multiple in silico algorithms, and/or has population frequency not consistent with disease.

Eurofins Ntd Llc (ga)
Classification: Benign. Last evaluated: 2014-04-27. Review status: criteria provided, single submitter. Criteria: EGL Classification Definitions 2015. Collection method: clinical testing. Allele origin: germline. Observed: 3 variant alleles, 3 homozygotes.

Breakthrough Genomics
Classification: Benign. Review status: criteria provided, single submitter. Criteria: ACMG Guidelines, 2015. Collection method: not provided. Allele origin: germline. Inheritance: Autosomal recessive inheritance. Affected: yes.

Clinical Genetics DNA and cytogenetics Diagnostics Lab, Erasmus MC, Erasmus Medical Center
Classification: Benign. Review status: no assertion criteria provided. Collection method: clinical testing. Allele origin: germline. Affected: yes. Study: VKGL Data-share Consensus. Not counted in ClinVar's aggregate classification.

Diagnostic Laboratory, Department of Genetics, University Medical Center Groningen
Classification: Benign. Review status: no assertion criteria provided. Collection method: clinical testing. Allele origin: germline. Affected: yes. Study: VKGL Data-share Consensus. Not counted in ClinVar's aggregate classification.

Joint Genome Diagnostic Labs from Nijmegen and Maastricht, Radboudumc and MUMC+
Classification: Benign. Review status: no assertion criteria provided. Collection method: clinical testing. Allele origin: germline. Affected: yes. Study: VKGL Data-share Consensus. Not counted in ClinVar's aggregate classification.